The following is an entry in ClinVar:

NM_001009944.3(PKD1):c.9511G>T (p.Ala3171Ser)

Gene: PKD1 (polycystin 1, transient receptor potential channel interacting; minus strand). Cytogenetic location: 16p13.3.
Variant type: single nucleotide variant.
Coding change: c.9511G>T on transcript NM_001009944.3 (MANE Select); coding-DNA position 9511, G replaced by T.
Protein change: p.Ala3171Ser; replaces alanine 3171 with serine.
Molecular consequence: missense variant.
Genome position (GRCh38, 1-based): chr16:2,100,453, C>A on the plus strand (G>T on the coding strand, the complement: PKD1 is on the minus strand). VCF-style: chr16-2100453-C-A. GRCh37 (hg19) VCF-style: chr16-2150454-C-A.
Other names: c.9511G>T, p.Ala3171Ser (NM_000296.4); short protein forms A3171S.
Identifiers: ClinVar variation 2232379 (VCV002232379.4), dbSNP rs1276306534, ClinGen allele CA394356163.

ClinVar aggregate classification (germline): Uncertain significance. Review status: criteria provided, multiple submitters, no conflicts (2 of 4 stars). 2 submissions from 2 submitters: Uncertain significance (2). Last evaluated 2025-12-17.

Conditions:
Polycystic kidney disease, adult type (PKD1). Also called: Polycystic Kidney, Autosomal Dominant; POLYCYSTIC KIDNEY DISEASE, ADULT, TYPE I; Polycystic Kidney Disease 1, Autosomal Dominant; Polycystic kidney disease 1; Polycystic kidney disease 1, severe; POLYCYSTIC KIDNEY DISEASE 1 WITH OR WITHOUT POLYCYSTIC LIVER DISEASE. Identifiers: MedGen C3149841, MONDO:0008263, OMIM 173900.
Inborn genetic diseases. Identifiers: MedGen C0950123, MeSH D030342.

Allele frequency attached by ClinVar (database versions not stated): TOPMed below 0.00001; gnomAD 0.00001.
gnomAD v4.1: 2 of 1,610,856 alleles (0.00012%); highest among the groups gnomAD compares: African/African-American, 0.0013%; no homozygotes.

Submissions (2):

Dasa
Classification: Uncertain significance for Polycystic kidney disease, adult type. Last evaluated: 2025-12-17. Review status: criteria provided, single submitter. Criteria: DASA Assertion Criteria. Collection method: clinical testing. Allele origin: germline.
Comment: NM_001009944.3(PKD1):c.9511G>T (p.Ala3171Ser) is a missense variant that results in the substitution of alanine with serine. This variant is rare in population databases. Computational prediction algorithms are consistent with a benign effect. The currently available literature and clinical evidence are not sufficient to establish a definitive association between this variant and the reported condition. Therefore, this variant is classified as a variant of uncertain significance.

Ambry Genetics
Classification: Uncertain significance for Inborn genetic diseases. Last evaluated: 2021-06-11. Review status: criteria provided, single submitter. Criteria: Ambry Variant Classification Scheme 2023. Collection method: clinical testing. Allele origin: germline.